The following is an entry in ClinVar:

ClinVar aggregate classification (germline): Likely benign (1 of 4 stars; one submission).

gnomAD v4.1: 8 of 1,570,250 alleles (0.00051%); highest among the groups gnomAD compares: South Asian, 0.0011%; no homozygotes.

Submission:

CeGaT Center for Human Genetics Tuebingen
Classification: Likely benign. Last evaluated: 2022-11-01. Review status: criteria provided, single submitter. Criteria: CeGaT Center For Human Genetics Tuebingen Variant Classification Criteria Version 2. Collection method: clinical testing. Allele origin: germline. Affected: yes. Observed: 1 variant allele.
Comment: FLG: BP4, BP7

NM_002016.2(FLG):c.9387G>T (p.Ser3129=)

Genes: CCDST (cervical cancer associated DHX9 suppressive transcript; plus strand), FLG (filaggrin; minus strand). Cytogenetic location: 1q21.3.
Variant type: single nucleotide variant.
Coding change: c.9387G>T on transcript NM_002016.2 (MANE Select); coding-DNA position 9387, G replaced by T.
Protein change: p.Ser3129=; no amino-acid change (serine 3129 retained).
Molecular consequence: synonymous variant.
Genome position (GRCh38, 1-based): chr1:152,305,499, C>A on the plus strand (G>T on the coding strand, the complement: FLG is on the minus strand). VCF-style: chr1-152305499-C-A. GRCh37 (hg19) VCF-style: chr1-152277975-C-A.
Identifiers: ClinVar variation 2639253 (VCV002639253.24), dbSNP rs752889361, ClinGen allele CA420927062.